The following is an entry in ClinVar:

ClinVar aggregate classification (germline): Likely pathogenic (1 of 4 stars; one submission).

Conditions:
Mucopolysaccharidosis, MPS-I-H/S. Also called: Mucopolysaccharidosis type IH/S. Identifiers: Orphanet 93476, MedGen C0086431, MONDO:0011759, OMIM 607015.

Submission:

Myriad Genetics, Inc.
Classification: Likely pathogenic for Mucopolysaccharidosis, MPS-I-H/S. Last evaluated: 2022-03-31. Review status: criteria provided, single submitter. Criteria: Myriad Women's Health Autosomal Recessive and X-Linked Classification Criteria (2021). Collection method: clinical testing. Allele origin: unknown.
Comment: NM_000203.3(IDUA):c.663delC(G222Afs*12) is expected to be pathogenic in the context of mucopolysaccharidosis type I. This variant is predicted to lead to an abnormal or absent protein product due to the creation of a premature termination codon in IDUA, a gene where loss-of-function variants are known to be pathogenic. Please note: this variant was assessed in the context of healthy population screening.

NM_000203.5(IDUA):c.663del (p.Gly222fs)

Gene: IDUA (alpha-L-iduronidase; plus strand). Cytogenetic location: 4p16.3.
Variant type: Deletion.
Coding change: c.663del on transcript NM_000203.5 (MANE Select); coding-DNA position 663, one base deleted (C; older notation c.663delC).
Protein change: p.Gly222fs; shifts the reading frame from glycine 222.
Molecular consequence: frameshift variant. On other transcripts: non-coding transcript variant (1).
Genome position (GRCh38, 1-based): chr4:1,001,752, C deleted; the last of 4 consecutive C bases (chr4:1,001,749-1,001,752); deleting any one gives the same sequence. VCF-style (leftmost placement, unchanged base first): chr4-1001748-GC-G. GRCh37 (hg19) VCF-style: chr4-995536-GC-G.
Other names: c.267del, p.Gly90fs (NM_001363576.1); short protein forms G222fs, G90fs.
Identifiers: ClinVar variation 1725743 (VCV001725743.2), dbSNP rs2534084879, ClinGen allele CA2580070652.